The following is an entry in ClinVar:

NM_001013838.3(CARMIL2):c.3635G>A (p.Arg1212Gln)

Gene: CARMIL2 (capping protein regulator and myosin 1 linker 2; plus strand). Cytogenetic location: 16q22.1.
Variant type: single nucleotide variant.
Coding change: c.3635G>A on transcript NM_001013838.3 (MANE Select); coding-DNA position 3635, G replaced by A.
Protein change: p.Arg1212Gln; replaces arginine 1212 with glutamine.
Molecular consequence: missense variant.
Genome position (GRCh38, 1-based): chr16:67,654,830, G>A. VCF-style: chr16-67654830-G-A. GRCh37 (hg19) VCF-style: chr16-67688733-G-A.
Other names: c.3527G>A, p.Arg1176Gln (NM_001317026.3, NM_001438244.1, NM_001438835.1); short protein forms R1176Q, R1212Q.
Identifiers: ClinVar variation 4291709 (VCV004291709.1).

ClinVar aggregate classification (germline): Uncertain significance (1 of 4 stars; one submission).

Conditions:
Severe combined immunodeficiency due to CARMIL2 deficiency. Also called: IMMUNODEFICIENCY 58. Identifiers: Orphanet 542301, MedGen C4748304, MONDO:0029134, OMIM 618131.

gnomAD v4.1: 14 of 1,613,684 alleles (0.00087%); highest among the groups gnomAD compares: Non-Finnish European, 0.0011%; no homozygotes.

Submission:

3billion
Classification: Uncertain significance for Severe combined immunodeficiency due to CARMIL2 deficiency. Last evaluated: 2024-08-26. Review status: criteria provided, single submitter. Criteria: ACMG Guidelines, 2015. Collection method: clinical testing. Allele origin: germline. Affected: yes.
Comment: The variant is observed at an extremely low frequency in the gnomAD v4.0.0 dataset (total allele frequency: <0.001%). Predicted Consequence/Location: The majority of the known disease-causing variants of this gene are variants expected to result in premature termination of the protein. In silico tool predictions suggest no damaging effect of the variant on gene or gene product [REVEL: 0.21 (<0.4); 3Cnet: 0.00 (<0.15, specificity 0.78 and negative predictive value 0.92)].In silico tools predict the variant to alter splicing and produce an abnormal transcript [SpliceAI: 0.45 (>=0.2, moderate evidence for spliceogenicity)]. Therefore, this variant is classified as VUS according to the recommendation of ACMG/AMP guideline.